The following is an entry in ClinVar:

ClinVar aggregate classification (germline): Likely benign (1 of 4 stars; one submission).

gnomAD v4.1: 157 of 1,614,190 alleles (0.0097%); highest among the groups gnomAD compares: South Asian, 0.17%; 1 homozygote.

Submission:

CeGaT Center for Human Genetics Tuebingen
Classification: Likely benign. Last evaluated: 2025-11-01. Review status: criteria provided, single submitter. Criteria: CeGaT Center For Human Genetics Tuebingen Variant Classification Criteria Version 2. Collection method: clinical testing. Allele origin: germline. Affected: yes. Observed: 1 variant allele.
Comment: CUX2: BP4, BP7

NM_015267.4(CUX2):c.3282G>A (p.Lys1094=)

Gene: CUX2 (cut like homeobox 2; plus strand). Cytogenetic location: 12q24.12.
Variant type: single nucleotide variant.
Coding change: c.3282G>A on transcript NM_015267.4 (MANE Select); coding-DNA position 3282, G replaced by A.
Protein change: p.Lys1094=; no amino-acid change (lysine 1094 retained).
Molecular consequence: synonymous variant.
Genome position (GRCh38, 1-based): chr12:111,338,371, G>A. VCF-style: chr12-111338371-G-A. GRCh37 (hg19) VCF-style: chr12-111776175-G-A.
Other names: c.3096G>A, p.Lys1032= (NM_001370598.1).
Identifiers: ClinVar variation 4534110 (VCV004534110.6).